The following is an entry in ClinVar:

NM_000256.3(MYBPC3):c.3760A>G (p.Arg1254Gly)

Gene: MYBPC3 (myosin binding protein C3; minus strand). Cytogenetic location: 11p11.2.
Variant type: single nucleotide variant.
Coding change: c.3760A>G on transcript NM_000256.3 (MANE Select); coding-DNA position 3760, A replaced by G.
Protein change: p.Arg1254Gly; replaces arginine 1254 with glycine.
Molecular consequence: missense variant.
Genome position (GRCh38, 1-based): chr11:47,332,126, T>C on the plus strand (A>G on the coding strand, the complement: MYBPC3 is on the minus strand). VCF-style: chr11-47332126-T-C. GRCh37 (hg19) VCF-style: chr11-47353677-T-C.
Other names: short protein forms R1254G.
Identifiers: ClinVar variation 1734674 (VCV001734674.5), dbSNP rs2495736165, ClinGen allele CA380310776.

ClinVar aggregate classification (germline): Uncertain significance. Review status: criteria provided, multiple submitters, no conflicts (2 of 4 stars). 2 submissions from 2 submitters: Uncertain significance (2). Last evaluated 2023-11-14.

Conditions:
Hypertrophic cardiomyopathy. Also called: HYPERTROPHIC MYOCARDIOPATHY. Identifiers: Orphanet 217569, MedGen C0007194, MeSH D002312, MONDO:0005045, HP:0001639.
Cardiovascular phenotype. Identifiers: MedGen CN230736.

Allele frequency attached by ClinVar (database versions not stated): gnomAD exomes below 0.00001.
gnomAD v4.1: 1 of 1,613,660 alleles (0.000062%); highest among the groups gnomAD compares: African/African-American, 0.0013%; no homozygotes.

Submissions (2):

Labcorp Genetics (formerly Invitae), Labcorp
Classification: Uncertain significance for Hypertrophic cardiomyopathy. Last evaluated: 2023-11-14. Review status: criteria provided, single submitter. Criteria: Invitae Variant Classification Sherloc (09022015). Collection method: clinical testing. Allele origin: germline.
Comment: This sequence change replaces arginine, which is basic and polar, with glycine, which is neutral and non-polar, at codon 1254 of the MYBPC3 protein (p.Arg1254Gly). This variant is not present in population databases (gnomAD no frequency). This variant has not been reported in the literature in individuals affected with MYBPC3-related conditions. ClinVar contains an entry for this variant (Variation ID: 1734674). An algorithm developed to predict the effect of missense changes on protein structure and function (PolyPhen-2) suggests that this variant is likely to be tolerated. In summary, the available evidence is currently insufficient to determine the role of this variant in disease. Therefore, it has been classified as a Variant of Uncertain Significance.

Ambry Genetics
Classification: Uncertain significance for Cardiovascular phenotype. Last evaluated: 2021-09-20. Review status: criteria provided, single submitter. Criteria: Ambry Variant Classification Scheme 2023. Collection method: clinical testing. Allele origin: germline.
Comment: The p.R1254G variant (also known as c.3760A>G), located in coding exon 33 of the MYBPC3 gene, results from an A to G substitution at nucleotide position 3760. The arginine at codon 1254 is replaced by glycine, an amino acid with dissimilar properties. This amino acid position is conserved. In addition, the in silico prediction for this alteration is inconclusive. Since supporting evidence is limited at this time, the clinical significance of this alteration remains unclear.